The following is an entry in ClinVar:

NM_020461.4(TUBGCP6):c.191T>C (p.Leu64Pro)

Gene: TUBGCP6 (tubulin gamma complex component 6; minus strand). Cytogenetic location: 22q13.33.
Variant type: single nucleotide variant.
Coding change: c.191T>C on transcript NM_020461.4 (MANE Select); coding-DNA position 191, T replaced by C.
Protein change: p.Leu64Pro; replaces leucine 64 with proline.
Molecular consequence: missense variant.
Genome position (GRCh38, 1-based): chr22:50,244,269, A>G on the plus strand (T>C on the coding strand, the complement: TUBGCP6 is on the minus strand). VCF-style: chr22-50244269-A-G. GRCh37 (hg19) VCF-style: chr22-50682698-A-G.
Other names: short protein forms L64P.
Identifiers: ClinVar variation 2114578 (VCV002114578.3), dbSNP rs541815150, ClinGen allele CA10309104.

ClinVar aggregate classification (germline): Uncertain significance (1 of 4 stars; one submission).

Allele frequency attached by ClinVar (database versions not stated): ExAC 0.00001; gnomAD 0.00001; TOPMed 0.00001; 1000 Genomes Project 0.00020; 1000 Genomes Project 30x 0.00031.

Submission:

Labcorp Genetics (formerly Invitae), Labcorp
Classification: Uncertain significance. Last evaluated: 2022-12-16. Review status: criteria provided, single submitter. Criteria: Invitae Variant Classification Sherloc (09022015). Collection method: clinical testing. Allele origin: germline.
Comment: In summary, the available evidence is currently insufficient to determine the role of this variant in disease. Therefore, it has been classified as a Variant of Uncertain Significance. Algorithms developed to predict the effect of missense changes on protein structure and function are either unavailable or do not agree on the potential impact of this missense change (SIFT: "Tolerated"; PolyPhen-2: "Probably Damaging"; Align-GVGD: "Class C0"). This variant has not been reported in the literature in individuals affected with TUBGCP6-related conditions. The frequency data for this variant in the population databases is considered unreliable, as metrics indicate poor data quality at this position in the gnomAD database. This sequence change replaces leucine, which is neutral and non-polar, with proline, which is neutral and non-polar, at codon 64 of the TUBGCP6 protein (p.Leu64Pro).